The following is an entry in ClinVar:

NM_000038.6(APC):c.893del (p.His298fs)

Gene: APC (APC regulator of Wnt signaling pathway; plus strand). Cytogenetic location: 5q22.2.
Variant type: Deletion.
Coding change: c.893del on transcript NM_000038.6 (MANE Select); coding-DNA position 893, one base deleted (A; older notation c.893delA).
Protein change: p.His298fs; shifts the reading frame from histidine 298.
Molecular consequence: frameshift variant.
Genome position (GRCh38, 1-based): chr5:112,815,553, A deleted. VCF-style (leftmost placement, unchanged base first): chr5-112815552-CA-C. GRCh37 (hg19) VCF-style: chr5-112151249-CA-C.
Other names: c.893del, p.His298fs (NM_001127510.3, NM_001354895.2, NM_001354896.2 and 1 more transcripts); c.839del, p.His280fs (NM_001127511.3); c.923del, p.His308fs (NM_001354897.2, NM_001354902.2); c.818del, p.His273fs (NM_001354898.2, NM_001354904.2); c.809del, p.His270fs (NM_001354899.2); c.716del, p.His239fs (NM_001354900.2, NM_001354901.2, NM_001354905.2); c.44del, p.His15fs (NM_001354906.2); c.923delA, p.His308Profs (NM_001407446.1); and 5 more; short protein forms H270fs, H308fs, H15fs, H239fs, H298fs, H273fs, H280fs.
Identifiers: ClinVar variation 1765188 (VCV001765188.2), dbSNP rs2532970087, ClinGen allele CA2580072287.
Genomic context (GRCh38, chr5:112,815,552, plus strand): 5'-TAGGGTTCAACTACACGAATGGACCATGAAACAGCCAGTGTTTTGAGTTCTAGTAGCACA[CA>C]CTCTGCACCTCGAAGGCTGACAAGTCATCTGGGAACCAAGGTAACAGAAGATTACAAACC-3'

ClinVar aggregate classification (germline): Pathogenic (1 of 4 stars; one submission).

Conditions:
Hereditary cancer-predisposing syndrome. Also called: Neoplastic Syndromes, Hereditary; Tumor predisposition; Hereditary Cancer Syndrome; Hereditary neoplastic syndrome. Identifiers: Orphanet 140162, MedGen C0027672, MeSH D009386, MONDO:0015356.

Submission:

Ambry Genetics
Classification: Pathogenic for Hereditary cancer-predisposing syndrome. Last evaluated: 2014-08-20. Review status: criteria provided, single submitter. Criteria: Ambry Variant Classification Scheme 2023. Collection method: clinical testing. Allele origin: germline.
Comment: The c.893delA pathogenic mutation, located in coding exon 8 of the APC gene, results from a deletion of one nucleotide at nucleotide position 893, causing a translational frameshift with a predicted alternate stop codon. Since frameshifts are typically deleterious in nature, this alteration is interpreted as a disease-causing mutation (ACMG Recommendations for Standards for Interpretation and Reporting of Sequence Variations. Revision 2007. Genet Med. 2008;10:294).